The following is an entry in ClinVar:

ClinVar aggregate classification (germline): Uncertain significance. Review status: criteria provided, multiple submitters, no conflicts (2 of 4 stars). 7 submissions from 7 submitters: Uncertain significance (6). 1 of the submissions does not count toward it. Last evaluated 2025-12-23.

Conditions:
LOXHD1-related disorder. Also called: LOXHD1-related condition.
Autosomal recessive nonsyndromic hearing loss 77. Identifiers: Orphanet 90636, MedGen C2746083, MONDO:0013119, OMIM 613079.

Allele frequency attached by ClinVar (database versions not stated): 1000 Genomes Project 30x 0.00016; ESP Exome Variant Server 0.00022; TOPMed 0.00024; gnomAD 0.00038.
gnomAD v4.1: 829 of 1,551,784 alleles (0.053%); highest among the groups gnomAD compares: Non-Finnish European, 0.066%; 1 homozygote.

Submissions (7):

PreventionGenetics, part of Exact Sciences
Classification: Uncertain significance for LOXHD1-related condition. Last evaluated: 2025-12-23. Review status: criteria provided, single submitter. Criteria: ACMG Guidelines, 2015. Collection method: clinical testing. Allele origin: germline.
Comment: The LOXHD1 c.197C>G variant is predicted to result in the amino acid substitution p.Thr66Arg. To our knowledge, this variant has not been reported in the literature. This variant is reported in 0.079% of alleles in individuals of European (Finnish) descent in gnomAD. Although we suspect that this variant may be benign, at this time, the clinical significance of this variant is uncertain due to the absence of conclusive functional and genetic evidence.

Blueprint Genetics
Classification: Uncertain significance. Last evaluated: 2024-08-30. Review status: criteria provided, single submitter. Criteria: ACMG Guidelines, 2015. Collection method: clinical testing. Allele origin: germline.

Labcorp Genetics (formerly Invitae), Labcorp
Classification: Uncertain significance. Last evaluated: 2022-06-14. Review status: criteria provided, single submitter. Criteria: Invitae Variant Classification Sherloc (09022015). Collection method: clinical testing. Allele origin: germline.
Comment: This sequence change replaces threonine, which is neutral and polar, with arginine, which is basic and polar, at codon 66 of the LOXHD1 protein (p.Thr66Arg). This variant is present in population databases (rs199536893, gnomAD 0.08%). This variant has not been reported in the literature in individuals affected with LOXHD1-related conditions. ClinVar contains an entry for this variant (Variation ID: 286763). Algorithms developed to predict the effect of missense changes on protein structure and function are either unavailable or do not agree on the potential impact of this missense change (SIFT: "Deleterious"; PolyPhen-2: "Not Available"; Align-GVGD: "Class C0"). Algorithms developed to predict the effect of sequence changes on RNA splicing suggest that this variant may create or strengthen a splice site. In summary, the available evidence is currently insufficient to determine the role of this variant in disease. Therefore, it has been classified as a Variant of Uncertain Significance.

Illumina Laboratory Services, Illumina
Classification: Uncertain significance for Autosomal recessive nonsyndromic hearing loss 77. Last evaluated: 2018-01-12. Review status: criteria provided, single submitter. Criteria: ICSL Variant Classification Criteria 13 December 2019. Collection method: clinical testing. Allele origin: germline.

GeneDx
Classification: Uncertain significance. Last evaluated: 2017-03-10. Review status: criteria provided, single submitter. Criteria: GeneDx Variant Classification (06012015). Collection method: clinical testing. Allele origin: germline. Affected: yes.
Comment: The T66R variant in the LOXHD1 gene has not been reported previously as a pathogenic variant, nor as a benign variant, to our knowledge. The T66R variant is observed in 1/2176 (0.05%) alleles from individuals of African background, in large population cohorts (Lek et al., 2016; 1000 Genomes Consortium et al., 2015; Exome Variant Server). The T66R variant is a semi-conservative amino acid substitution, which may impact secondary protein structure as these residues differ in some properties. This substitution occurs at a position where amino acids with similar properties to Threonine are tolerated across species. In silico analysis predicts this variant is probably damaging to the protein structure/function. We interpret T66R as a variant of uncertain significance.

Eurofins Ntd Llc (ga)
Classification: Uncertain significance. Last evaluated: 2016-03-21. Review status: criteria provided, single submitter. Criteria: EGL Classification Definitions 2015. Collection method: clinical testing. Allele origin: germline. Observed: 1 variant allele, 1 heterozygote.

Natera, Inc.
Classification: Uncertain significance for Autosomal recessive deafness type 77. Last evaluated: 2020-01-17. Review status: no assertion criteria provided. Collection method: clinical testing. Allele origin: germline. Not counted in ClinVar's aggregate classification.

NM_001384474.1(LOXHD1):c.197C>G (p.Thr66Arg)

Gene: LOXHD1 (lipoxygenase homology PLAT domains 1; minus strand). Cytogenetic location: 18q21.1.
Variant type: single nucleotide variant.
Coding change: c.197C>G on transcript NM_001384474.1 (MANE Select); coding-DNA position 197, C replaced by G.
Protein change: p.Thr66Arg; replaces threonine 66 with arginine.
Molecular consequence: missense variant.
Genome position (GRCh38, 1-based): chr18:46,649,203, G>C on the plus strand (C>G on the coding strand, the complement: LOXHD1 is on the minus strand). VCF-style: chr18-46649203-G-C. GRCh37 (hg19) VCF-style: chr18-44229166-G-C.
Other names: c.197C>G, p.Thr66Arg (NM_144612.7); short protein forms T66R.
Identifiers: ClinVar variation 286763 (VCV000286763.15), dbSNP rs199536893, ClinGen allele CA8952952.